The following is an entry in ClinVar:

ClinVar aggregate classification (germline): Uncertain significance (1 of 4 stars; one submission).

Conditions:
Emery-Dreifuss muscular dystrophy 5, autosomal dominant (EDMD5). Also called: EMERY-DREIFUSS MUSCULAR DYSTROPHY 5. Identifiers: Orphanet 261, MedGen C2751805, MONDO:0013072, OMIM 612999.

gnomAD v4.1: 3 of 1,614,090 alleles (0.00019%); highest among the groups gnomAD compares: Admixed American, 0.0033%; no homozygotes.

Submission:

Labcorp Genetics (formerly Invitae), Labcorp
Classification: Uncertain significance for Emery-Dreifuss muscular dystrophy 5, autosomal dominant. Last evaluated: 2025-02-17. Review status: criteria provided, single submitter. Criteria: Invitae Variant Classification Sherloc (09022015). Collection method: clinical testing. Allele origin: germline.
Comment: This sequence change replaces alanine, which is neutral and non-polar, with glycine, which is neutral and non-polar, at codon 5393 of the SYNE2 protein (p.Ala5393Gly). This variant is present in population databases (no rsID available, gnomAD 0.003%). This variant has not been reported in the literature in individuals affected with SYNE2-related conditions. ClinVar contains an entry for this variant (Variation ID: 1905587). An algorithm developed to predict the effect of missense changes on protein structure and function (PolyPhen-2) suggests that this variant is likely to be disruptive. In summary, the available evidence is currently insufficient to determine the role of this variant in disease. Therefore, it has been classified as a Variant of Uncertain Significance.

NM_182914.3(SYNE2):c.16178C>G (p.Ala5393Gly)

Gene: SYNE2 (spectrin repeat containing nuclear envelope protein 2; plus strand). Cytogenetic location: 14q23.2.
Variant type: single nucleotide variant.
Coding change: c.16178C>G on transcript NM_182914.3 (MANE Select); coding-DNA position 16178, C replaced by G.
Protein change: p.Ala5393Gly; replaces alanine 5393 with glycine.
Molecular consequence: missense variant.
Genome position (GRCh38, 1-based): chr14:64,162,155, C>G. VCF-style: chr14-64162155-C-G. GRCh37 (hg19) VCF-style: chr14-64628873-C-G.
Other names: c.16178C>G, p.Ala5393Gly (NM_015180.6); short protein forms A5393G.
Identifiers: ClinVar variation 1905587 (VCV001905587.5), dbSNP rs147173048, ClinGen allele CA389957109.